The following is an entry in ClinVar:

ClinVar aggregate classification (germline): Likely pathogenic (1 of 4 stars; one submission).

Conditions:
Congenital myasthenic syndrome 11. Also called: MYASTHENIC SYNDROME, CONGENITAL, Ie; Myasthenic syndrome, congenital, 11, associated with acetylcholine receptor deficiency. Identifiers: Orphanet 590, MedGen C4225367, MONDO:0014588, OMIM 616326.
Fetal akinesia deformation sequence 1 (FADS1). Also called: Fetal akinesia sequence; Pena-Shokeir syndrome type I. Identifiers: Orphanet 994, MedGen C1276035, MONDO:0100101, OMIM 208150, HP:0001989.

Submission:

Labcorp Genetics (formerly Invitae), Labcorp
Classification: Likely pathogenic for Congenital myasthenic syndrome 11; Fetal akinesia deformation sequence 1. Last evaluated: 2020-01-30. Review status: criteria provided, single submitter. Criteria: Invitae Variant Classification Sherloc (09022015). Collection method: clinical testing. Allele origin: germline.
Comment: In summary, the currently available evidence indicates that the variant is pathogenic, but additional data are needed to prove that conclusively. Therefore, this variant has been classified as Likely Pathogenic. Donor and acceptor splice site variants typically lead to a loss of protein function (PMID: 16199547), and loss-of-function variants in RAPSN are known to be pathogenic (PMID: 17686188). Algorithms developed to predict the effect of sequence changes on RNA splicing suggest that this variant may disrupt the consensus splice site, but this prediction has not been confirmed by published transcriptional studies. This variant has not been reported in the literature in individuals with RAPSN-related conditions. This variant is not present in population databases (ExAC no frequency). This sequence change affects a donor splice site in intron 5 of the RAPSN gene. It is expected to disrupt RNA splicing and likely results in an absent or disrupted protein product.

Literature cited by the submitters: PubMed 16199547; PubMed 17686188.

NM_005055.5(RAPSN):c.911_912+1dup

Gene: RAPSN (receptor associated protein of the synapse; minus strand). Cytogenetic location: 11p11.2.
Variant type: Duplication.
Coding change: c.911_912+1dup on transcript NM_005055.5 (MANE Select); coding-DNA position 911 through the canonical splice donor site of the intron after coding-DNA position 912, 3 bases duplicated (AGG; older notation c.911_912+1dupAGG).
Molecular consequence: splice donor variant. On other transcripts: intron variant (1).
Genome position (GRCh38, 1-based): chr11:47,441,610-47,441,612, CCT duplicated on the plus strand (AGG on the coding strand, the reverse complement: RAPSN is on the minus strand). VCF-style (leftmost placement, unchanged base first): chr11-47441609-A-ACCT. GRCh37 (hg19) VCF-style: chr11-47463161-A-ACCT.
Other names: c.789+211_789+213dup (NM_032645.5).
Identifiers: ClinVar variation 1066353 (VCV001066353.9), dbSNP rs2153308410, ClinGen allele CA2499221050.